The following is an entry in ClinVar:

NM_001190737.2(NFIB):c.308G>A (p.Cys103Tyr)

Gene: NFIB (nuclear factor I B; minus strand). Cytogenetic location: 9p22.3.
Variant type: single nucleotide variant.
Coding change: c.308G>A on transcript NM_001190737.2 (MANE Select); coding-DNA position 308, G replaced by A.
Protein change: p.Cys103Tyr; replaces cysteine 103 with tyrosine.
Molecular consequence: missense variant.
Genome position (GRCh38, 1-based): chr9:14,307,243, C>T on the plus strand (G>A on the coding strand, the complement: NFIB is on the minus strand). VCF-style: chr9-14307243-C-T. GRCh37 (hg19) VCF-style: chr9-14307242-C-T.
Other names: c.386G>A, p.Cys129Tyr (NM_001190738.2); c.374G>A, p.Cys125Tyr (NM_001369458.1, NM_001369459.1, NM_001369462.1 and 1 more transcripts); c.296G>A, p.Cys99Tyr (NM_001369460.1, NM_001369463.1, NM_001369466.1 and 4 more transcripts); c.308G>A, p.Cys103Tyr (NM_001369461.1, NM_001369464.1, NM_001369471.1 and 5 more transcripts); c.281G>A, p.Cys94Tyr (NM_001369465.1, NM_001369467.1, NM_001369476.1); c.164G>A, p.Cys55Tyr (NM_001369469.1); c.293G>A, p.Cys98Tyr (NM_001369474.1); short protein forms C99Y, C103Y, C125Y, C129Y, C55Y, C94Y, C98Y.
Identifiers: ClinVar variation 3774790 (VCV003774790.1).
Genomic context (GRCh38, chr9:14,307,243, plus strand): 5'-TGTCGCAGGCAGTCGATTCTCCTAATCTTACCCTTCTGGTCGGGATTGGATAAGACACAG[C>T]ACGGGTGCTTCTTGCCAGTCACGGTGAGCACAAAGTCCTCTCGATACTCCTGGCGAATAT-3'
Protein context (NP_001177666.1, residues 93-113): VLTVTGKKHP[Cys103Tyr]CVLSNPDQKG

ClinVar aggregate classification (germline): Uncertain significance (1 of 4 stars; one submission).

Submission:

GeneDx
Classification: Uncertain significance. Last evaluated: 2024-09-25. Review status: criteria provided, single submitter. Criteria: GeneDx Variant Classification Process June 2021. Collection method: clinical testing. Allele origin: germline. Affected: yes.
Comment: Not observed at significant frequency in large population cohorts (gnomAD); In silico analysis supports that this missense variant has a deleterious effect on protein structure/function; Has not been previously published as pathogenic or benign to our knowledge